The following is an entry in ClinVar:

ClinVar aggregate classification (germline): Uncertain significance (1 of 4 stars; one submission).

Submission:

Labcorp Genetics (formerly Invitae), Labcorp
Classification: Uncertain significance. Last evaluated: 2024-08-18. Review status: criteria provided, single submitter. Criteria: Invitae Variant Classification Sherloc (09022015). Collection method: clinical testing. Allele origin: germline.
Comment: This sequence change creates a premature translational stop signal (p.Trp437*) in the PRPF6 gene. It is expected to result in an absent or disrupted protein product. However, the current clinical and genetic evidence is not sufficient to establish whether loss-of-function variants in PRPF6 cause disease. This variant is not present in population databases (gnomAD no frequency). This variant has not been reported in the literature in individuals affected with PRPF6-related conditions. In summary, the available evidence is currently insufficient to determine the role of this variant in disease. Therefore, it has been classified as a Variant of Uncertain Significance.

NM_012469.4(PRPF6):c.1310G>A (p.Trp437Ter)

Gene: PRPF6 (pre-mRNA processing factor 6; plus strand). Cytogenetic location: 20q13.33.
Variant type: single nucleotide variant.
Coding change: c.1310G>A on transcript NM_012469.4 (MANE Select); coding-DNA position 1310, G replaced by A.
Protein change: p.Trp437Ter; replaces tryptophan 437 with a stop codon.
Molecular consequence: nonsense.
Genome position (GRCh38, 1-based): chr20:64,011,289, G>A. VCF-style: chr20-64011289-G-A. GRCh37 (hg19) VCF-style: chr20-62642642-G-A.
Other names: short protein forms W437*.
Identifiers: ClinVar variation 3662787 (VCV003662787.2).